The following is an entry in ClinVar:

ClinVar aggregate classification (germline): Uncertain significance (1 of 4 stars; one submission).

Allele frequency attached by ClinVar (database versions not stated): ExAC 0.00002; TOPMed 0.00002; gnomAD 0.00003.

Submission:

Labcorp Genetics (formerly Invitae), Labcorp
Classification: Uncertain significance. Last evaluated: 2024-08-31. Review status: criteria provided, single submitter. Criteria: Invitae Variant Classification Sherloc (09022015). Collection method: clinical testing. Allele origin: germline.
Comment: This sequence change replaces glycine, which is neutral and non-polar, with serine, which is neutral and polar, at codon 872 of the KCNQ5 protein (p.Gly872Ser). This variant is present in population databases (rs752536695, gnomAD 0.008%). This variant has not been reported in the literature in individuals affected with KCNQ5-related conditions. Invitae Evidence Modeling of protein sequence and biophysical properties (such as structural, functional, and spatial information, amino acid conservation, physicochemical variation, residue mobility, and thermodynamic stability) has been performed for this missense variant. However, the output from this modeling did not meet the statistical confidence thresholds required to predict the impact of this variant on KCNQ5 protein function. In summary, the available evidence is currently insufficient to determine the role of this variant in disease. Therefore, it has been classified as a Variant of Uncertain Significance.

NM_019842.4(KCNQ5):c.2557G>A (p.Gly853Ser)

Gene: KCNQ5 (potassium voltage-gated channel subfamily Q member 5; plus strand). Cytogenetic location: 6q13.
Variant type: single nucleotide variant.
Coding change: c.2557G>A on transcript NM_019842.4 (MANE Select); coding-DNA position 2557, G replaced by A.
Protein change: p.Gly853Ser; replaces glycine 853 with serine.
Molecular consequence: missense variant.
Genome position (GRCh38, 1-based): chr6:73,195,172, G>A. VCF-style: chr6-73195172-G-A. GRCh37 (hg19) VCF-style: chr6-73904895-G-A.
Other names: c.2530G>A, p.Gly844Ser (NM_001160130.2); c.2587G>A, p.Gly863Ser (NM_001160132.2); c.2614G>A, p.Gly872Ser (NM_001160133.2); c.2227G>A, p.Gly743Ser (NM_001160134.2); short protein forms G743S, G853S, G872S, G844S, G863S.
Identifiers: ClinVar variation 2784404 (VCV002784404.3), dbSNP rs752536695, ClinGen allele CA3887283.
Genomic context (GRCh38, chr6:73,195,172, plus strand): 5'-CAAAACCTGATCAGGTCGACCGAGGAACTGAATATACAACTTTCAGGGAGTGAGTCAAGT[G>A]GCTCCAGAGGCAGCCAAGATTTTTACCCCAAATGGAGGGAATCCAAATTGTTTATAACTG-3'
Protein context (NP_062816.2, residues 843-863): NIQLSGSESS[Gly853Ser]SRGSQDFYPK